The following is an entry in ClinVar:

ClinVar aggregate classification (germline): Uncertain significance (1 of 4 stars; one submission).

Conditions:
Charcot-Marie-Tooth disease type 2. Also called: Charcot-Marie-Tooth type 2. Identifiers: Orphanet 64746, MedGen C0270914, MONDO:0018993.

Allele frequency attached by ClinVar (database versions not stated): gnomAD 0.00001.
gnomAD v4.1: 4 of 1,614,022 alleles (0.00025%); highest among the groups gnomAD compares: Middle Eastern, 0.016%; no homozygotes.

Submission:

Labcorp Genetics (formerly Invitae), Labcorp
Classification: Uncertain significance for Charcot-Marie-Tooth disease type 2. Last evaluated: 2023-04-15. Review status: criteria provided, single submitter. Criteria: Invitae Variant Classification Sherloc (09022015). Collection method: clinical testing. Allele origin: germline.
Comment: In summary, the available evidence is currently insufficient to determine the role of this variant in disease. Therefore, it has been classified as a Variant of Uncertain Significance. Advanced modeling of protein sequence and biophysical properties (such as structural, functional, and spatial information, amino acid conservation, physicochemical variation, residue mobility, and thermodynamic stability) performed at Invitae indicates that this missense variant is expected to disrupt BSCL2 protein function. ClinVar contains an entry for this variant (Variation ID: 1517270). This variant has not been reported in the literature in individuals affected with BSCL2-related conditions. This variant is present in population databases (rs751664305, gnomAD 0.002%). This sequence change replaces arginine, which is basic and polar, with cysteine, which is neutral and slightly polar, at codon 206 of the BSCL2 protein (p.Arg206Cys).

NM_001122955.4(BSCL2):c.808C>T (p.Arg270Cys)

Genes: HNRNPUL2-BSCL2 (HNRNPUL2-BSCL2 readthrough (NMD candidate); minus strand), BSCL2 (BSCL2 lipid droplet biogenesis associated, seipin; minus strand). Cytogenetic location: 11q12.3.
Variant type: single nucleotide variant.
Coding change: c.808C>T on transcript NM_001122955.4 (MANE Select); coding-DNA position 808, C replaced by T.
Protein change: p.Arg270Cys; replaces arginine 270 with cysteine.
Molecular consequence: missense variant. On other transcripts: non-coding transcript variant (1).
Genome position (GRCh38, 1-based): chr11:62,692,431, G>A on the plus strand (C>T on the coding strand, the complement: BSCL2 is on the minus strand). VCF-style: chr11-62692431-G-A. GRCh37 (hg19) VCF-style: chr11-62459903-G-A.
Other names: c.616C>T, p.Arg206Cys (NM_001130702.2, NM_032667.6); c.808C>T, p.Arg270Cys (NM_001386027.1, NM_001386028.1); short protein forms R270C, R206C.
Identifiers: ClinVar variation 1517270 (VCV001517270.8), dbSNP rs751664305, ClinGen allele CA6053448.
Genomic context (GRCh38, chr11:62,692,431, plus strand): 5'-CTCACCTGAGCCCAGTGAAGTGCGCGTGGATGCGGAGGTAGGCTCCATACAGCTGGATGC[G>A]CTTGCTGTGGATCTCAATGATCGCTCCAGTGGTCGGCACGTACTGTGAGGGGGTGGGGTG-3'
Protein context (NP_001116427.1, residues 260-280): TGAIIEIHSK[Arg270Cys]IQLYGAYLRI